The following is an entry in ClinVar:

ClinVar aggregate classification (germline): Uncertain significance. Review status: criteria provided, multiple submitters, no conflicts (2 of 4 stars). 2 submissions from 2 submitters: Uncertain significance (2). Last evaluated 2022-09-24.

Conditions:
Inborn genetic diseases. Identifiers: MedGen C0950123, MeSH D030342.
Charcot-Marie-Tooth disease axonal type 2C (HMSN2C). Also called: CHARCOT-MARIE-TOOTH DISEASE, AXONAL, AUTOSOMAL DOMINANT, TYPE 2C; Charcot-Marie-Tooth Neuropathy Type 2C; Charcot-Marie-Tooth Disease Type 2, TRPV4-Related (CMT2C). Identifiers: Orphanet 99937, MedGen C1853710, MONDO:0011633, OMIM 606071.

Allele frequency attached by ClinVar (database versions not stated): gnomAD exomes below 0.00001.
gnomAD v4.1: 2 of 1,614,078 alleles (0.00012%); highest among the groups gnomAD compares: Non-Finnish European, 0.00017%; no homozygotes.

Submissions (2):

Labcorp Genetics (formerly Invitae), Labcorp
Classification: Uncertain significance for Charcot-Marie-Tooth disease axonal type 2C. Last evaluated: 2022-09-24. Review status: criteria provided, single submitter. Criteria: Invitae Variant Classification Sherloc (09022015). Collection method: clinical testing. Allele origin: germline.
Comment: In summary, the available evidence is currently insufficient to determine the role of this variant in disease. Therefore, it has been classified as a Variant of Uncertain Significance. This sequence change replaces phenylalanine, which is neutral and non-polar, with leucine, which is neutral and non-polar, at codon 75 of the TRPV4 protein (p.Phe75Leu). This variant is not present in population databases (gnomAD no frequency). This variant has not been reported in the literature in individuals affected with TRPV4-related conditions. Advanced modeling of protein sequence and biophysical properties (such as structural, functional, and spatial information, amino acid conservation, physicochemical variation, residue mobility, and thermodynamic stability) has been performed at Invitae for this missense variant, however the output from this modeling did not meet the statistical confidence thresholds required to predict the impact of this variant on TRPV4 protein function.

Ambry Genetics
Classification: Uncertain significance for Inborn genetic diseases. Last evaluated: 2022-04-19. Review status: criteria provided, single submitter. Criteria: Ambry Variant Classification Scheme 2023. Collection method: clinical testing. Allele origin: germline.
Comment: The p.F75L variant (also known as c.223T>C), located in coding exon 1 of the TRPV4 gene, results from a T to C substitution at nucleotide position 223. The phenylalanine at codon 75 is replaced by leucine, an amino acid with highly similar properties. This amino acid position is highly conserved in available vertebrate species. In addition, this alteration is predicted to be deleterious by in silico analysis. Since supporting evidence is limited at this time, the clinical significance of this alteration remains unclear.

NM_021625.5(TRPV4):c.223T>C (p.Phe75Leu)

Gene: TRPV4 (transient receptor potential cation channel subfamily V member 4; minus strand). Cytogenetic location: 12q24.11.
Variant type: single nucleotide variant.
Coding change: c.223T>C on transcript NM_021625.5 (MANE Select); coding-DNA position 223, T replaced by C.
Protein change: p.Phe75Leu; replaces phenylalanine 75 with leucine.
Molecular consequence: missense variant.
Genome position (GRCh38, 1-based): chr12:109,814,574, A>G on the plus strand (T>C on the coding strand, the complement: TRPV4 is on the minus strand). VCF-style: chr12-109814574-A-G. GRCh37 (hg19) VCF-style: chr12-110252379-A-G.
Other names: c.223T>C, p.Phe75Leu (NM_001177428.2, NM_001177433.2, NM_147204.3); c.121T>C, p.Phe41Leu (NM_001177431.2); short protein forms F75L, F41L.
Identifiers: ClinVar variation 1788266 (VCV001788266.7), dbSNP rs2548803286, ClinGen allele CA386660565.